The following is an entry in ClinVar:

NM_021072.4(HCN1):c.2066A>C (p.Gln689Pro)

Gene: HCN1 (hyperpolarization activated cyclic nucleotide gated potassium channel 1; minus strand). Cytogenetic location: 5p12.
Variant type: single nucleotide variant.
Coding change: c.2066A>C on transcript NM_021072.4 (MANE Select); coding-DNA position 2066, A replaced by C.
Protein change: p.Gln689Pro; replaces glutamine 689 with proline.
Molecular consequence: missense variant.
Genome position (GRCh38, 1-based): chr5:45,262,528, T>G on the plus strand (A>C on the coding strand, the complement: HCN1 is on the minus strand). VCF-style: chr5-45262528-T-G. GRCh37 (hg19) VCF-style: chr5-45262630-T-G.
Other names: short protein forms Q689P.
Identifiers: ClinVar variation 2163035 (VCV002163035.11), dbSNP rs1293979204, ClinGen allele CA359704123.
Genomic context (GRCh38, chr5:45,262,528, plus strand): 5'-TGTACAGGAGGGCTGCAGACCGCGGTGGTGTAGGAGCAGGGTGACAGGATGGCTGATGGC[T>G]GGGGGGTCTGTGTGCTGGGACTGGGGGAGTGCAGGTTGCTGTGAGACAGGCTGGTCGCTG-3'
Protein context (NP_066550.2, residues 679-699): HSPSPSTQTP[Gln689Pro]PSAILSPCSY

ClinVar aggregate classification (germline): Conflicting classifications of pathogenicity. Review status: criteria provided, conflicting classifications (1 of 4 stars). 2 submissions from 2 submitters: Uncertain significance (1); Likely benign (1). Last evaluated 2025-03-01.

Conditions:
Early-infantile DEE. Also called: Early infantile epileptic encephalopathy; Early infantile epileptic encephalopathy with suppression bursts; Ohtahara syndrome. Identifiers: Orphanet 1934, MedGen C0393706, MONDO:0800491.

Allele frequency attached by ClinVar (database versions not stated): gnomAD exomes 0.00001.
gnomAD v4.1: 6 of 1,612,118 alleles (0.00037%); highest among the groups gnomAD compares: Non-Finnish European, 0.00051%; no homozygotes.

Submissions (2):

CeGaT Center for Human Genetics Tuebingen
Classification: Likely benign. Last evaluated: 2025-03-01. Review status: criteria provided, single submitter. Criteria: CeGaT Center For Human Genetics Tuebingen Variant Classification Criteria Version 2. Collection method: clinical testing. Allele origin: germline. Affected: yes. Observed: 1 variant allele.
Comment: HCN1: BP5

Labcorp Genetics (formerly Invitae), Labcorp
Classification: Uncertain significance for Early-infantile DEE. Last evaluated: 2023-07-17. Review status: criteria provided, single submitter. Criteria: Invitae Variant Classification Sherloc (09022015). Collection method: clinical testing. Allele origin: germline.
Comment: This variant is present in population databases (no rsID available, gnomAD 0.0009%). In summary, the available evidence is currently insufficient to determine the role of this variant in disease. Therefore, it has been classified as a Variant of Uncertain Significance. Advanced modeling of protein sequence and biophysical properties (such as structural, functional, and spatial information, amino acid conservation, physicochemical variation, residue mobility, and thermodynamic stability) performed at Invitae indicates that this missense variant is not expected to disrupt HCN1 protein function. ClinVar contains an entry for this variant (Variation ID: 2163035). This variant has not been reported in the literature in individuals affected with HCN1-related conditions. This sequence change replaces glutamine, which is neutral and polar, with proline, which is neutral and non-polar, at codon 689 of the HCN1 protein (p.Gln689Pro).